The following is an entry in ClinVar:

NM_001348323.3(TRIP12):c.152A>G (p.Lys51Arg)

Gene: TRIP12 (thyroid hormone receptor interactor 12; minus strand). Cytogenetic location: 2q36.3.
Variant type: single nucleotide variant.
Coding change: c.152A>G on transcript NM_001348323.3 (MANE Select); coding-DNA position 152, A replaced by G.
Protein change: p.Lys51Arg; replaces lysine 51 with arginine.
Molecular consequence: missense variant. On other transcripts: intron variant (7).
Genome position (GRCh38, 1-based): chr2:229,860,478, T>C on the plus strand (A>G on the coding strand, the complement: TRIP12 is on the minus strand). VCF-style: chr2-229860478-T-C. GRCh37 (hg19) VCF-style: chr2-230725194-T-C.
Other names: c.99-904A>G (NM_001348317.1, NM_001284215.2, NM_001348316.2 and 3 more transcripts); c.152A>G, p.Lys51Arg (NM_001284214.2, NM_001348315.2, NM_001348319.1 and 15 more transcripts); c.98+19504A>G (NM_001284216.2); short protein forms K51R.
Identifiers: ClinVar variation 4280936 (VCV004280936.7).

ClinVar aggregate classification (germline): Likely benign (1 of 4 stars; one submission).

gnomAD v4.1: 224 of 1,612,080 alleles (0.014%); highest among the groups gnomAD compares: Admixed American, 0.073%; 1 homozygote.

Submission:

CeGaT Center for Human Genetics Tuebingen
Classification: Likely benign. Last evaluated: 2026-04-01. Review status: criteria provided, single submitter. Criteria: CeGaT Center For Human Genetics Tuebingen Variant Classification Criteria Version 2. Collection method: clinical testing. Allele origin: germline. Affected: yes. Observed: 2 variant alleles.
Comment: TRIP12: BP4